The following is an entry in ClinVar:

NM_001048174.2(MUTYH):c.931T>C (p.Cys311Arg)

Gene: MUTYH (mutY DNA glycosylase; minus strand). Cytogenetic location: 1p34.1.
Variant type: single nucleotide variant.
Coding change: c.931T>C on transcript NM_001048174.2 (MANE Select); coding-DNA position 931, T replaced by C.
Protein change: p.Cys311Arg; replaces cysteine 311 with arginine.
Molecular consequence: missense variant. On other transcripts: non-coding transcript variant (2).
Genome position (GRCh38, 1-based): chr1:45,331,832, A>G on the plus strand (T>C on the coding strand, the complement: MUTYH is on the minus strand). VCF-style: chr1-45331832-A-G. GRCh37 (hg19) VCF-style: chr1-45797504-A-G.
Other names: c.931T>C, p.Cys311Arg (NM_001048171.2, NM_001048173.2, NM_001293195.2); c.934T>C, p.Cys312Arg (NM_001048172.2); c.1015T>C, p.Cys339Arg (NM_001128425.2); c.976T>C, p.Cys326Arg (NM_001293190.2); c.964T>C, p.Cys322Arg (NM_001293191.2); c.655T>C, p.Cys219Arg (NM_001293192.2, NM_001293196.2); c.586T>C, p.Cys196Arg (NM_001350650.2, NM_001350651.2); c.1006T>C, p.Cys336Arg (NM_012222.3); short protein forms C326R, C339R, C196R, C219R, C311R, C312R, C322R, C336R.
Identifiers: ClinVar variation 652138 (VCV000652138.9), dbSNP rs1570387815, ClinGen allele CA340133881.

ClinVar aggregate classification (germline): Uncertain significance. Review status: criteria provided, multiple submitters, no conflicts (2 of 4 stars). 2 submissions from 2 submitters: Uncertain significance (2). Last evaluated 2024-12-14.

Conditions:
Familial adenomatous polyposis 2. Also called: COLORECTAL ADENOMATOUS POLYPOSIS, AUTOSOMAL RECESSIVE; ADENOMAS, MULTIPLE COLORECTAL, AUTOSOMAL RECESSIVE; MYH-associated polyposis; MUTYH Polyposis; Adenomas, multiple colorectal; MUTYH-associated polyposis. Identifiers: Orphanet 220460, Orphanet 247798, MedGen C3272841, MONDO:0012041, OMIM 608456.
Hereditary cancer-predisposing syndrome. Also called: Tumor predisposition; Neoplastic Syndromes, Hereditary; Hereditary Cancer Syndrome; Hereditary neoplastic syndrome. Identifiers: Orphanet 140162, MedGen C0027672, MeSH D009386, MONDO:0015356.

Submissions (2):

Ambry Genetics
Classification: Uncertain significance for Hereditary cancer-predisposing syndrome. Last evaluated: 2024-12-14. Review status: criteria provided, single submitter. Criteria: Ambry Variant Classification Scheme 2023. Collection method: clinical testing. Allele origin: germline.
Comment: The p.C339R variant (also known as c.1015T>C), located in coding exon 12 of the MUTYH gene, results from a T to C substitution at nucleotide position 1015. The cysteine at codon 339 is replaced by arginine, an amino acid with highly dissimilar properties. This amino acid position is conserved. In addition, this alteration is predicted to be deleterious by in silico analysis. Based on the available evidence, the clinical significance of this variant remains unclear.

Labcorp Genetics (formerly Invitae), Labcorp
Classification: Uncertain significance for Familial adenomatous polyposis 2. Last evaluated: 2018-12-26. Review status: criteria provided, single submitter. Criteria: Invitae Variant Classification Sherloc (09022015). Collection method: clinical testing. Allele origin: germline.
Comment: This variant has not been reported in the literature in individuals with MUTYH-related conditions. In summary, the available evidence is currently insufficient to determine the role of this variant in disease. Therefore, it has been classified as a Variant of Uncertain Significance. Algorithms developed to predict the effect of missense changes on protein structure and function (SIFT, PolyPhen-2, Align-GVGD) all suggest that this variant is likely to be disruptive, but these predictions have not been confirmed by published functional studies and their clinical significance is uncertain. This variant is not present in population databases (ExAC no frequency). This sequence change replaces cysteine with arginine at codon 339 of the MUTYH protein (p.Cys339Arg). The cysteine residue is highly conserved and there is a large physicochemical difference between cysteine and arginine.